The following is an entry in ClinVar:

NM_004304.5(ALK):c.1666A>C (p.Ile556Leu)

Gene: ALK (ALK receptor tyrosine kinase; minus strand). Cytogenetic location: 2p23.2.
Variant type: single nucleotide variant.
Coding change: c.1666A>C on transcript NM_004304.5 (MANE Select); coding-DNA position 1666, A replaced by C.
Protein change: p.Ile556Leu; replaces isoleucine 556 with leucine.
Molecular consequence: missense variant.
Genome position (GRCh38, 1-based): chr2:29,297,039, T>G on the plus strand (A>C on the coding strand, the complement: ALK is on the minus strand). VCF-style: chr2-29297039-T-G. GRCh37 (hg19) VCF-style: chr2-29519905-T-G.
Other names: c.1666A>C (NM_004304.4); short protein forms I556L.
Identifiers: ClinVar variation 2888079 (VCV002888079.4), dbSNP rs2465372256, ClinGen allele CA346466646.

ClinVar aggregate classification (germline): Uncertain significance. Review status: criteria provided, multiple submitters, no conflicts (2 of 4 stars). 2 submissions from 2 submitters: Uncertain significance (2). Last evaluated 2025-11-24.

Conditions:
Hereditary cancer-predisposing syndrome. Also called: Neoplastic Syndromes, Hereditary; Tumor predisposition; Hereditary neoplastic syndrome; Hereditary Cancer Syndrome. Identifiers: Orphanet 140162, MedGen C0027672, MeSH D009386, MONDO:0015356.
Neuroblastoma, susceptibility to, 3. Also called: ALK-Related Neuroblastic Tumor Susceptibility. Identifiers: Orphanet 635, MedGen C2751681, MONDO:0013083, OMIM 613014.

Submissions (2):

Ambry Genetics
Classification: Uncertain significance for Hereditary cancer-predisposing syndrome. Last evaluated: 2025-11-24. Review status: criteria provided, single submitter. Criteria: Ambry Variant Classification Scheme 2023. Collection method: clinical testing. Allele origin: germline.
Comment: The p.I556L variant (also known as c.1666A>C), located in coding exon 9 of the ALK gene, results from an A to C substitution at nucleotide position 1666. The isoleucine at codon 556 is replaced by leucine, an amino acid with highly similar properties. This amino acid position is conserved. In addition, this alteration is predicted to be tolerated by in silico analysis. Based on the available evidence, the clinical significance of this variant remains unclear.

Labcorp Genetics (formerly Invitae), Labcorp
Classification: Uncertain significance for Neuroblastoma, susceptibility to, 3. Last evaluated: 2023-09-10. Review status: criteria provided, single submitter. Criteria: Invitae Variant Classification Sherloc (09022015). Collection method: clinical testing. Allele origin: germline.
Comment: In summary, the available evidence is currently insufficient to determine the role of this variant in disease. Therefore, it has been classified as a Variant of Uncertain Significance. An algorithm developed to predict the effect of missense changes on protein structure and function (PolyPhen-2) suggests that this variant is likely to be tolerated. This variant has not been reported in the literature in individuals affected with ALK-related conditions. This variant is not present in population databases (gnomAD no frequency). This sequence change replaces isoleucine, which is neutral and non-polar, with leucine, which is neutral and non-polar, at codon 556 of the ALK protein (p.Ile556Leu).